The following is an entry in ClinVar:

NM_000368.5(TSC1):c.2814-11G>A

Gene: TSC1 (TSC complex subunit 1; minus strand). Cytogenetic location: 9q34.13.
Variant type: single nucleotide variant.
Coding change: c.2814-11G>A on transcript NM_000368.5 (MANE Select); 11 bases into the intron before coding-DNA position 2814, G replaced by A.
Molecular consequence: intron variant.
Genome position (GRCh38, 1-based): chr9:132,897,356, C>T on the plus strand (G>A on the coding strand, the complement: TSC1 is on the minus strand). VCF-style: chr9-132897356-C-T. GRCh37 (hg19) VCF-style: chr9-135772743-C-T.
Other names: c.2451-11G>A (NM_001362177.2); c.2661-11G>A (NM_001162427.2); c.2811-11G>A (NM_001162426.2).
Identifiers: ClinVar variation 1657758 (VCV001657758.10), dbSNP rs1287695326, ClinGen allele CA2573144364.

ClinVar aggregate classification (germline): Likely benign. Review status: criteria provided, multiple submitters, no conflicts (2 of 4 stars). 3 submissions from 3 submitters: Likely benign (3). Last evaluated 2026-01-05.

Conditions:
Tuberous sclerosis syndrome (TSC). Also called: Tuberous Sclerosis Complex; Tuberous sclerosis. Identifiers: Orphanet 805, MedGen C0041341, MONDO:0001734.
Tuberous sclerosis 1 (TSC1). Identifiers: Orphanet 805, MedGen C1854465, MONDO:0008612, OMIM 191100.

gnomAD v4.1: 1 of 1,614,190 alleles (0.000062%); highest among the groups gnomAD compares: Non-Finnish European, 0.000085%; no homozygotes.

Submissions (3):

Labcorp Genetics (formerly Invitae), Labcorp
Classification: Likely benign for Tuberous sclerosis 1. Last evaluated: 2026-01-05. Review status: criteria provided, single submitter. Criteria: Invitae Variant Classification Sherloc (09022015). Collection method: clinical testing. Allele origin: germline.

Myriad Genetics, Inc.
Classification: Likely benign for Tuberous sclerosis 1. Last evaluated: 2025-04-29. Review status: criteria provided, single submitter. Criteria: Myriad Autosomal Dominant, Autosomal Recessive and X-Linked Classification Criteria (2023). Collection method: clinical testing. Allele origin: unknown.
Comment: This variant is considered likely benign. This variant is intronic and is not expected to impact mRNA splicing.

Color Diagnostics, LLC DBA Color Health
Classification: Likely benign for Tuberous sclerosis syndrome. Last evaluated: 2022-03-14. Review status: criteria provided, single submitter. Criteria: ACMG Guidelines, 2015. Collection method: clinical testing. Allele origin: germline.